The following is an entry in ClinVar:

ClinVar aggregate classification (germline): Pathogenic (1 of 4 stars; one submission).

Submission:

Labcorp Genetics (formerly Invitae), Labcorp
Classification: Pathogenic. Last evaluated: 2025-12-14. Review status: criteria provided, single submitter. Criteria: Invitae Variant Classification Sherloc (09022015). Collection method: clinical testing. Allele origin: germline.
Comment: This sequence change creates a premature translational stop signal (p.Ser29Alafs*133) in the NIPAL4 gene. It is expected to result in an absent or disrupted protein product. Loss-of-function variants in NIPAL4 are known to be pathogenic (PMID: 15317751, 17557927). This variant is not present in population databases (gnomAD no frequency). This variant has not been reported in the literature in individuals affected with NIPAL4-related conditions. For these reasons, this variant has been classified as Pathogenic.

Literature cited by the submitters: PubMed 15317751; PubMed 17557927.

NM_001099287.2(NIPAL4):c.-102_-99del

Genes: NIPAL4 (NIPA like domain containing 4; plus strand), LOC129995124 (ATAC-STARR-seq lymphoblastoid silent region 16559; plus strand). Cytogenetic location: 5q33.3.
Variant type: Deletion.
Coding change: c.-102_-99del on transcript NM_001099287.2 (MANE Select); 102 bases upstream of the start codon through 99 bases upstream of the start codon, 4 bases deleted (TCGC; older notation c.-102_-99delTCGC).
Molecular consequence: 5 prime UTR variant.
Genome position (GRCh38, 1-based): chr5:157,460,219-157,460,222, TCGC deleted; deleting any 4 consecutive bases within chr5:157,460,218-157,460,222 gives the same sequence; the c. name uses the placement nearest the transcript's 3' end. VCF-style (leftmost placement, unchanged base first): chr5-157460217-TCTCG-T. GRCh37 (hg19) VCF-style: chr5-156887225-TCTCG-T.
Other names: c.-102_-99del (NM_001172292.2).
Identifiers: ClinVar variation 4702484 (VCV004702484.1).